The following is an entry in ClinVar:

ClinVar aggregate classification (germline): Likely benign. Review status: criteria provided, multiple submitters, no conflicts (2 of 4 stars). 2 submissions from 2 submitters: Likely benign (2). Last evaluated 2022-02-08.

Allele frequency attached by ClinVar (database versions not stated): gnomAD 0.00001 and 0.00002; TOPMed 0.00002; ExAC 0.00004; gnomAD exomes 0.00005.
gnomAD v4.1: 54 of 1,613,932 alleles (0.0033%); highest among the groups gnomAD compares: South Asian, 0.049%; no homozygotes.

Submissions (2):

Ambry Genetics
Classification: Likely benign. Last evaluated: 2022-02-08. Review status: criteria provided, single submitter. Criteria: Ambry Variant Classification Scheme 2023. Collection method: clinical testing. Allele origin: germline.

GeneDx
Classification: Likely benign. Last evaluated: 2017-06-20. Review status: criteria provided, single submitter. Criteria: GeneDx Variant Classification (06012015). Collection method: clinical testing. Allele origin: germline. Affected: yes.
Comment: This variant is considered likely benign or benign based on one or more of the following criteria: it is a conservative change, it occurs at a poorly conserved position in the protein, it is predicted to be benign by multiple in silico algorithms, and/or has population frequency not consistent with disease.

NM_033118.4(MYLK2):c.1431C>T (p.Ser477=)

Gene: MYLK2 (myosin light chain kinase 2; plus strand). Cytogenetic location: 20q11.21.
Variant type: single nucleotide variant.
Coding change: c.1431C>T on transcript NM_033118.4 (MANE Select); coding-DNA position 1431, C replaced by T.
Protein change: p.Ser477=; no amino-acid change (serine 477 retained).
Molecular consequence: synonymous variant.
Genome position (GRCh38, 1-based): chr20:31,831,709, C>T. VCF-style: chr20-31831709-C-T. GRCh37 (hg19) VCF-style: chr20-30419512-C-T.
Identifiers: ClinVar variation 338047 (VCV000338047.3), dbSNP rs764056444, ClinGen allele CA9803230.